The following is an entry in ClinVar:

NM_001352027.3(PHF21A):c.882C>T (p.Thr294=)

Gene: PHF21A (PHD finger protein 21A; minus strand). Cytogenetic location: 11p11.2.
Variant type: single nucleotide variant.
Coding change: c.882C>T on transcript NM_001352027.3 (MANE Select); coding-DNA position 882, C replaced by T.
Protein change: p.Thr294=; no amino-acid change (threonine 294 retained).
Molecular consequence: synonymous variant. On other transcripts: non-coding transcript variant (2).
Genome position (GRCh38, 1-based): chr11:45,965,429, G>A on the plus strand (C>T on the coding strand, the complement: PHF21A is on the minus strand). VCF-style: chr11-45965429-G-A. GRCh37 (hg19) VCF-style: chr11-45986980-G-A.
Other names: c.879C>T, p.Thr293= (NM_001101802.3, NM_001352030.3, NM_001352031.3 and 1 more transcripts); c.882C>T, p.Thr294= (NM_001352025.3, NM_001352026.3, NM_001352028.1 and 2 more transcripts).
Identifiers: ClinVar variation 1164500 (VCV001164500.32), dbSNP rs35646259, ClinGen allele CA5961263.

ClinVar aggregate classification (germline): Benign/Likely benign. Review status: criteria provided, multiple submitters, no conflicts (2 of 4 stars). 3 submissions from 3 submitters: Benign (2); Likely benign (1). Last evaluated 2026-04-01.

Allele frequency attached by ClinVar (database versions not stated): 1000 Genomes Project 0.00080; ExAC 0.00187; gnomAD exomes 0.00193 and 0.00320; 1000 Genomes Project 30x 0.00203; gnomAD 0.00231 and 0.00235; TOPMed 0.00251; ESP Exome Variant Server 0.00300.
gnomAD v4.1: 4,990 of 1,614,120 alleles (0.31%); highest among the groups gnomAD compares: Non-Finnish European, 0.39%; 9 homozygotes.

Submissions (3):

CeGaT Center for Human Genetics Tuebingen
Classification: Likely benign. Last evaluated: 2026-04-01. Review status: criteria provided, single submitter. Criteria: CeGaT Center For Human Genetics Tuebingen Variant Classification Criteria Version 2. Collection method: clinical testing. Allele origin: germline. Affected: yes. Observed: 12 variant alleles.
Comment: PHF21A: BP4, BS2

Labcorp Genetics (formerly Invitae), Labcorp
Classification: Benign. Last evaluated: 2026-02-03. Review status: criteria provided, single submitter. Criteria: Invitae Variant Classification Sherloc (09022015). Collection method: clinical testing. Allele origin: germline.

Breakthrough Genomics
Classification: Benign. Review status: criteria provided, single submitter. Criteria: ACMG Guidelines, 2015. Collection method: not provided. Allele origin: germline. Inheritance: Autosomal dominant inheritance. Affected: yes.